The following is an entry in ClinVar:

ClinVar aggregate classification (germline): Uncertain significance (1 of 4 stars; one submission).

Conditions:
Long QT syndrome (LQTS). Identifiers: MedGen C0023976, MeSH D008133, MONDO:0002442. Disease mechanism: loss of function. Inheritance: Various modes of inheritance.

Submission:

Labcorp Genetics (formerly Invitae), Labcorp
Classification: Uncertain significance for Long QT syndrome. Last evaluated: 2022-11-22. Review status: criteria provided, single submitter. Criteria: Invitae Variant Classification Sherloc (09022015). Collection method: clinical testing. Allele origin: germline.
Comment: This variant is not present in population databases (gnomAD no frequency). This sequence change replaces aspartic acid, which is acidic and polar, with glycine, which is neutral and non-polar, at codon 722 of the ANK2 protein (p.Asp722Gly). This variant has not been reported in the literature in individuals affected with ANK2-related conditions. Advanced modeling of protein sequence and biophysical properties (such as structural, functional, and spatial information, amino acid conservation, physicochemical variation, residue mobility, and thermodynamic stability) performed at Invitae indicates that this missense variant is not expected to disrupt ANK2 protein function. In summary, the available evidence is currently insufficient to determine the role of this variant in disease. Therefore, it has been classified as a Variant of Uncertain Significance.

NM_001148.6(ANK2):c.2165A>G (p.Asp722Gly)

Gene: ANK2 (ankyrin 2; plus strand). Cytogenetic location: 4q26.
Variant type: single nucleotide variant.
Coding change: c.2165A>G on transcript NM_001148.6 (MANE Select); coding-DNA position 2165, A replaced by G.
Protein change: p.Asp722Gly; replaces aspartic acid 722 with glycine.
Molecular consequence: missense variant.
Genome position (GRCh38, 1-based): chr4:113,287,690, A>G. VCF-style: chr4-113287690-A-G. GRCh37 (hg19) VCF-style: chr4-114208846-A-G.
Other names: c.2102A>G, p.Asp701Gly (NM_001127493.3, NM_001354239.2, NM_001354243.2 and 10 more transcripts); c.2165A>G, p.Asp722Gly (NM_001354225.2, NM_001354228.2, NM_001354232.2 and 6 more transcripts); c.2210A>G, p.Asp737Gly (NM_001354230.2, NM_001354231.2, NM_001354237.2 and 5 more transcripts); c.2066A>G, p.Asp689Gly (NM_001354245.2, NM_001354268.2); c.2078A>G, p.Asp693Gly (NM_001354249.2, NM_001354264.2, NM_001354266.2 and 10 more transcripts); c.2003A>G, p.Asp668Gly (NM_001354253.2, NM_001354257.2, NM_001354270.2 and 1 more transcripts); c.1979A>G, p.Asp660Gly (NM_001354260.2, NM_001354271.2, NM_001386151.1); c.2123A>G, p.Asp708Gly (NM_001354261.2, NM_001386147.1, NM_001386160.1); and 8 more; short protein forms D660G, D689G, D722G, D737G, D627G, D693G, D708G, D656G.
Identifiers: ClinVar variation 2196028 (VCV002196028.4), dbSNP rs2496551397, ClinGen allele CA357915846.